The following is an entry in ClinVar:

NM_019066.5(MAGEL2):c.1975G>A (p.Val659Met)

Gene: MAGEL2 (MAGE family member L2; minus strand). Cytogenetic location: 15q11.2.
Variant type: single nucleotide variant.
Coding change: c.1975G>A on transcript NM_019066.5 (MANE Select); coding-DNA position 1975, G replaced by A.
Protein change: p.Val659Met; replaces valine 659 with methionine.
Molecular consequence: missense variant.
Genome position (GRCh38, 1-based): chr15:23,645,768, C>T on the plus strand (G>A on the coding strand, the complement: MAGEL2 is on the minus strand). VCF-style: chr15-23645768-C-T. GRCh37 (hg19) VCF-style: chr15-23890915-C-T.
Other names: c.1975G>A (NM_019066.4); short protein forms V659M.
Identifiers: ClinVar variation 3670208 (VCV003670208.4).

ClinVar aggregate classification (germline): Uncertain significance. Review status: criteria provided, multiple submitters, no conflicts (2 of 4 stars). 3 submissions from 3 submitters: Uncertain significance (3). Last evaluated 2026-06-24.

Conditions:
MAGEL2-related disorder. Also called: MAGEL2-related condition.
Inborn genetic diseases. Identifiers: MedGen C0950123, MeSH D030342.

gnomAD v4.1: 16 of 1,582,178 alleles (0.001%); highest among the groups gnomAD compares: African/African-American, 0.0027%; no homozygotes.

Submissions (3):

PreventionGenetics, part of Exact Sciences
Classification: Uncertain significance for MAGEL2-related condition. Last evaluated: 2026-06-24. Review status: criteria provided, single submitter. Criteria: ACMG Guidelines, 2015. Collection method: clinical testing. Allele origin: germline.
Comment: The MAGEL2 c.1975G>A variant is predicted to result in the amino acid substitution p.Val659Met. To our knowledge, this variant has not been reported in the literature. This variant is reported in 0.0033% of alleles in individuals of European (Non-Finnish) descent in gnomAD. At this time, the clinical significance of this variant is uncertain due to the absence of conclusive functional and genetic evidence.

Ambry Genetics
Classification: Uncertain significance for Inborn genetic diseases. Last evaluated: 2025-07-15. Review status: criteria provided, single submitter. Criteria: Ambry Variant Classification Scheme 2023. Collection method: clinical testing. Allele origin: germline.

Labcorp Genetics (formerly Invitae), Labcorp
Classification: Uncertain significance. Last evaluated: 2024-02-12. Review status: criteria provided, single submitter. Criteria: Invitae Variant Classification Sherloc (09022015). Collection method: clinical testing. Allele origin: germline.
Comment: This sequence change replaces valine, which is neutral and non-polar, with methionine, which is neutral and non-polar, at codon 659 of the MAGEL2 protein (p.Val659Met). The frequency data for this variant in the population databases is considered unreliable, as metrics indicate poor data quality at this position in the gnomAD database. This variant has not been reported in the literature in individuals affected with MAGEL2-related conditions. Advanced modeling of protein sequence and biophysical properties (such as structural, functional, and spatial information, amino acid conservation, physicochemical variation, residue mobility, and thermodynamic stability) performed at Invitae indicates that this missense variant is not expected to disrupt MAGEL2 protein function with a negative predictive value of 80%. In summary, the available evidence is currently insufficient to determine the role of this variant in disease. Therefore, it has been classified as a Variant of Uncertain Significance.